The following is an entry in ClinVar:

ClinVar aggregate classification (germline): Benign/Likely benign. Review status: criteria provided, multiple submitters, no conflicts (2 of 4 stars). 6 submissions from 6 submitters: Benign (3); Likely benign (2). 1 of the submissions does not count toward it. Last evaluated 2025-12-17.

Conditions:
Heterotaxy, visceral, 8, autosomal (HTX8). Identifiers: MedGen C4310668, MONDO:0014967, OMIM 617205.
PKD1L1-related disorder. Also called: PKD1L1-related condition.

Allele frequency attached by ClinVar (database versions not stated): ESP Exome Variant Server 0.00062; gnomAD 0.00110 and 0.00111; TOPMed 0.00134; 1000 Genomes Project 0.00240; 1000 Genomes Project 30x 0.00297.
gnomAD v4.1: 1,942 of 1,613,986 alleles (0.12%); highest among the groups gnomAD compares: Admixed American, 0.41%; 5 homozygotes.

Submissions (6):

Labcorp Genetics (formerly Invitae), Labcorp
Classification: Benign. Last evaluated: 2025-12-17. Review status: criteria provided, single submitter. Criteria: Invitae Variant Classification Sherloc (09022015). Collection method: clinical testing. Allele origin: germline.

CeGaT Center for Human Genetics Tuebingen
Classification: Likely benign. Last evaluated: 2025-11-01. Review status: criteria provided, single submitter. Criteria: CeGaT Center For Human Genetics Tuebingen Variant Classification Criteria Version 2. Collection method: clinical testing. Allele origin: germline. Affected: yes. Observed: 1 variant allele.
Comment: PKD1L1: BP4, BP7

Blueprint Genetics
Classification: Likely benign. Last evaluated: 2024-10-31. Review status: criteria provided, single submitter. Criteria: ACMG Guidelines, 2015. Collection method: clinical testing. Allele origin: germline.

Fulgent Genetics
Classification: Benign for Heterotaxy, visceral, 8, autosomal. Last evaluated: 2022-03-08. Review status: criteria provided, single submitter. Criteria: ACMG Guidelines, 2015. Collection method: clinical testing. Allele origin: unknown.

Breakthrough Genomics
Classification: Benign. Review status: criteria provided, single submitter. Criteria: ACMG Guidelines, 2015. Collection method: not provided. Allele origin: germline. Inheritance: Autosomal recessive inheritance. Affected: yes.

PreventionGenetics, part of Exact Sciences
Classification: Likely benign for PKD1L1-related condition. Last evaluated: 2019-04-11. Review status: no assertion criteria provided. Collection method: clinical testing. Allele origin: germline. Not counted in ClinVar's aggregate classification.
Comment: This variant is classified as likely benign based on ACMG/AMP sequence variant interpretation guidelines (Richards et al. 2015 PMID: 25741868, with internal and published modifications).

NM_138295.5(PKD1L1):c.3624A>G (p.Ala1208=)

Gene: PKD1L1 (polycystin 1 like 1, transient receptor potential channel interacting; minus strand). Cytogenetic location: 7p12.3.
Variant type: single nucleotide variant.
Coding change: c.3624A>G on transcript NM_138295.5 (MANE Select); coding-DNA position 3624, A replaced by G.
Protein change: p.Ala1208=; no amino-acid change (alanine 1208 retained).
Molecular consequence: synonymous variant.
Genome position (GRCh38, 1-based): chr7:47,877,528, T>C on the plus strand (A>G on the coding strand, the complement: PKD1L1 is on the minus strand). VCF-style: chr7-47877528-T-C. GRCh37 (hg19) VCF-style: chr7-47917126-T-C.
Identifiers: ClinVar variation 710849 (VCV000710849.19), dbSNP rs139854035, ClinGen allele CA4253362.